The following is an entry in ClinVar:

ClinVar aggregate classification (germline): Benign/Likely benign. Review status: criteria provided, multiple submitters, no conflicts (2 of 4 stars). 5 submissions from 5 submitters: Benign (2); Likely benign (2). 1 of the submissions does not count toward it. Last evaluated 2026-09-01.

Conditions:
Inborn genetic diseases. Identifiers: MedGen C0950123, MeSH D030342.
SPTBN4-related disorder. Also called: SPTBN4-related condition.

Submissions (5):

Ambry Genetics
Classification: Benign for Inborn genetic diseases. Last evaluated: 2026-09-01. Review status: criteria provided, single submitter. Criteria: Ambry Variant Classification Scheme 2023. Collection method: clinical testing. Allele origin: germline.

CeGaT Center for Human Genetics Tuebingen
Classification: Likely benign. Last evaluated: 2026-07-01. Review status: criteria provided, single submitter. Criteria: CeGaT Center For Human Genetics Tuebingen Variant Classification Criteria Version 2. Collection method: clinical testing. Allele origin: germline. Affected: yes. Observed: 23 variant alleles.
Comment: SPTBN4: BS2

Blueprint Genetics
Classification: Likely benign. Last evaluated: 2024-11-19. Review status: criteria provided, single submitter. Criteria: ACMG Guidelines, 2015. Collection method: clinical testing. Allele origin: germline.

Labcorp Genetics (formerly Invitae), Labcorp
Classification: Benign. Last evaluated: 2019-12-31. Review status: criteria provided, single submitter. Criteria: Invitae Variant Classification Sherloc (09022015). Collection method: clinical testing. Allele origin: germline.

PreventionGenetics, part of Exact Sciences
Classification: Likely benign for SPTBN4-related condition. Last evaluated: 2019-12-04. Review status: no assertion criteria provided. Collection method: clinical testing. Allele origin: germline. Not counted in ClinVar's aggregate classification.
Comment: This variant is classified as likely benign based on ACMG/AMP sequence variant interpretation guidelines (Richards et al. 2015 PMID: 25741868, with internal and published modifications).

NM_020971.3(SPTBN4):c.2031CGCAGCGGG[3] (p.675AAG[4])

Gene: SPTBN4 (spectrin beta, non-erythrocytic 4; plus strand). Cytogenetic location: 19q13.2.
Variant type: Microsatellite.
Coding change: c.2031CGCAGCGGG[3] on transcript NM_020971.3 (MANE Select); three copies in a row of the 9-base unit CGCAGCGGG starting at c.2031; the reference has two copies in a row; one copy, 9 bases duplicated.
Protein change: p.675AAG[4].
Molecular consequence: inframe insertion.
Genome position (GRCh38, 1-based): chr19:40,512,829-40,512,837, CGCAGCGGG duplicated; duplicating any 9 consecutive bases within chr19:40,512,815-40,512,837 gives the same sequence; the position shown is the placement nearest the transcript's 3' end. VCF-style (leftmost placement, unchanged base first): chr19-40512814-G-GGCGGGCGCA. GRCh37 (hg19) VCF-style: chr19-41018721-G-GGCGGGCGCA.
Other names: c.2040_2048dup9 (NM_020971.2).
Identifiers: ClinVar variation 771519 (VCV000771519.41), dbSNP rs758147374, ClinGen allele CA9445816.